The following is an entry in ClinVar:

NM_015386.3(COG4):c.652C>T (p.Gln218Ter)

Gene: COG4 (component of oligomeric golgi complex 4; minus strand). Cytogenetic location: 16q22.1.
Variant type: single nucleotide variant.
Coding change: c.652C>T on transcript NM_015386.3 (MANE Select); coding-DNA position 652, C replaced by T.
Protein change: p.Gln218Ter; replaces glutamine 218 with a stop codon.
Molecular consequence: nonsense. On other transcripts: non-coding transcript variant (1).
Genome position (GRCh38, 1-based): chr16:70,512,325, G>A on the plus strand (C>T on the coding strand, the complement: COG4 is on the minus strand). VCF-style: chr16-70512325-G-A. GRCh37 (hg19) VCF-style: chr16-70546228-G-A.
Other names: c.640C>T, p.Gln214Ter (NM_001195139.2); c.226C>T, p.Gln76Ter (NM_001365426.1); short protein forms Q214*, Q76*, Q218*.
Identifiers: ClinVar variation 4980537 (VCV004980537.1).

ClinVar aggregate classification (germline): Likely pathogenic (1 of 4 stars; one submission).

Conditions:
COG4-related disorder. Also called: COG4-related condition.

Submission:

PreventionGenetics, part of Exact Sciences
Classification: Likely pathogenic for COG4-related condition. Last evaluated: 2026-02-18. Review status: criteria provided, single submitter. Criteria: ACMG Guidelines, 2015. Collection method: clinical testing. Allele origin: germline.
Comment: The COG4 c.652C>T variant is predicted to result in premature protein termination (p.Gln218*). To our knowledge, this variant has not been reported in the literature or in a large population database (gnomAD), indicating this variant is rare. Nonsense variants in COG4 are expected to be pathogenic. This variant is interpreted as likely pathogenic.